The following is an entry in ClinVar:

NM_139058.3(ARX):c.642C>A (p.Ala214=)

Gene: ARX (aristaless related homeobox; minus strand). Cytogenetic location: Xp21.3.
Variant type: single nucleotide variant.
Coding change: c.642C>A on transcript NM_139058.3 (MANE Select); coding-DNA position 642, C replaced by A.
Protein change: p.Ala214=; no amino-acid change (alanine 214 retained).
Molecular consequence: synonymous variant.
Genome position (GRCh38, 1-based): chrX:25,013,353, G>T on the plus strand (C>A on the coding strand, the complement: ARX is on the minus strand). VCF-style: chrX-25013353-G-T. GRCh37 (hg19) VCF-style: chrX-25031470-G-T.
Identifiers: ClinVar variation 540226 (VCV000540226.37), dbSNP rs997439358, ClinGen allele CA327733051.

ClinVar aggregate classification (germline): Likely benign. Review status: criteria provided, multiple submitters, no conflicts (2 of 4 stars). 3 submissions from 3 submitters: Likely benign (3). Last evaluated 2025-03-03.

Conditions:
Intellectual disability, X-linked, with or without seizures, ARX-related. Also called: Mental retardation, X-linked 52; INTELLECTUAL DEVELOPMENTAL DISORDER, X-LINKED 29; MENTAL RETARDATION, X-LINKED 29; MENTAL RETARDATION, X-LINKED 32; MENTAL RETARDATION, X-LINKED 33; MENTAL RETARDATION, X-LINKED 38. Identifiers: Orphanet 777, MedGen C0796244, MONDO:0010317, OMIM 300419.
Developmental and epileptic encephalopathy, 1 (DEE1). Also called: OHTAHARA SYNDROME, X-LINKED; INFANTILE SPASM SYNDROME, X-LINKED 1; X-linked infantile spasms; West's syndrome; Tonic spasms with clustering, arrest of psychomotor development and hypsarrhythmia on EEG; X-Linked Infantile Spasm Syndrome. Identifiers: MedGen C3463992, MONDO:0010632, OMIM 308350. Disease mechanism: loss of function.
Inborn genetic diseases. Identifiers: MedGen C0950123, MeSH D030342.

Allele frequency attached by ClinVar (database versions not stated): gnomAD exomes below 0.00001 and 0.00001; gnomAD 0.00004 and 0.00005; TOPMed 0.00005.
gnomAD v4.1: 8 of 1,144,198 alleles (0.0007%); highest among the groups gnomAD compares: African/African-American, 0.0092%; no homozygotes.

Submissions (3):

Labcorp Genetics (formerly Invitae), Labcorp
Classification: Likely benign for Developmental and epileptic encephalopathy, 1; Intellectual disability, X-linked, with or without seizures, ARX-related. Last evaluated: 2025-03-03. Review status: criteria provided, single submitter. Criteria: Invitae Variant Classification Sherloc (09022015). Collection method: clinical testing. Allele origin: germline.

CeGaT Center for Human Genetics Tuebingen
Classification: Likely benign. Last evaluated: 2022-06-01. Review status: criteria provided, single submitter. Criteria: CeGaT Center For Human Genetics Tuebingen Variant Classification Criteria Version 2. Collection method: clinical testing. Allele origin: germline. Affected: yes. Observed: 1 variant allele.
Comment: ARX: BP4, BP7

Ambry Genetics
Classification: Likely benign for Inborn genetic diseases. Last evaluated: 2017-07-26. Review status: criteria provided, single submitter. Criteria: Ambry Variant Classification Scheme 2023. Collection method: clinical testing. Allele origin: germline.